The following is an entry in ClinVar:

ClinVar aggregate classification (germline): Uncertain significance (1 of 4 stars; one submission).

Conditions:
Developmental and epileptic encephalopathy, 53. Also called: Epileptic encephalopathy, early infantile, 53. Identifiers: MedGen C4479313, MONDO:0033362, OMIM 617389.
Early-onset Parkinson disease 20. Also called: PARKINSON DISEASE 20, AUTOSOMAL RECESSIVE EARLY-ONSET. Identifiers: Orphanet 391411, MedGen C3809824, MONDO:0014233, OMIM 615530.

Allele frequency attached by ClinVar (database versions not stated): gnomAD exomes below 0.00001; ExAC 0.00001; gnomAD 0.00001.
gnomAD v4.1: 1 of 1,614,092 alleles (0.000062%); highest among the groups gnomAD compares: African/African-American, 0.0013%; no homozygotes.

Submission:

Labcorp Genetics (formerly Invitae), Labcorp
Classification: Uncertain significance for Developmental and epileptic encephalopathy, 53; Early-onset Parkinson disease 20. Last evaluated: 2023-12-22. Review status: criteria provided, single submitter. Criteria: Invitae Variant Classification Sherloc (09022015). Collection method: clinical testing. Allele origin: germline.
Comment: This sequence change replaces threonine, which is neutral and polar, with serine, which is neutral and polar, at codon 140 of the SYNJ1 protein (p.Thr140Ser). This variant is present in population databases (rs750481793, gnomAD 0.007%). This variant has not been reported in the literature in individuals affected with SYNJ1-related conditions. ClinVar contains an entry for this variant (Variation ID: 1439929). Advanced modeling of protein sequence and biophysical properties (such as structural, functional, and spatial information, amino acid conservation, physicochemical variation, residue mobility, and thermodynamic stability) performed at Invitae indicates that this missense variant is not expected to disrupt SYNJ1 protein function with a negative predictive value of 80%. In summary, the available evidence is currently insufficient to determine the role of this variant in disease. Therefore, it has been classified as a Variant of Uncertain Significance.

NM_203446.3(SYNJ1):c.301A>T (p.Thr101Ser)

Gene: SYNJ1 (synaptojanin 1; minus strand). Cytogenetic location: 21q22.11.
Variant type: single nucleotide variant.
Coding change: c.301A>T on transcript NM_203446.3 (MANE Select); coding-DNA position 301, A replaced by T.
Protein change: p.Thr101Ser; replaces threonine 101 with serine.
Molecular consequence: missense variant.
Genome position (GRCh38, 1-based): chr21:32,700,016, T>A on the plus strand (A>T on the coding strand, the complement: SYNJ1 is on the minus strand). VCF-style: chr21-32700016-T-A. GRCh37 (hg19) VCF-style: chr21-34072326-T-A.
Other names: c.301A>T, p.Thr101Ser (NM_001160302.2, NM_001160306.2); c.418A>T, p.Thr140Ser (NM_003895.4); short protein forms T140S, T101S.
Identifiers: ClinVar variation 1439929 (VCV001439929.6), dbSNP rs750481793, ClinGen allele CA10004159.
Genomic context (GRCh38, chr21:32,700,016, plus strand): 5'-TCCGCACTTCTGAAATGCGATCCTCATCTGAAGAATCGATTCGCAGTGATATAAACTCAG[T>A]GGAAGTAACTCGGAAAACTTCAGATTCTTGAATTTTTCCAACAGACATACATCCAGTGAC-3'
Protein context (NP_982271.3, residues 91-111): QESEVFRVTS[Thr101Ser]EFISLRIDSS